The following is an entry in ClinVar:

NM_016507.4(CDK12):c.413G>A (p.Ser138Asn)

Genes: CDK12 (cyclin dependent kinase 12; plus strand), LOC126862553 (CDK7 strongly-dependent group 2 enhancer GRCh37_chr17:37618166-37619365; plus strand). Cytogenetic location: 17q12.
Variant type: single nucleotide variant.
Coding change: c.413G>A on transcript NM_016507.4 (MANE Select); coding-DNA position 413, G replaced by A.
Protein change: p.Ser138Asn; replaces serine 138 with asparagine.
Molecular consequence: missense variant.
Genome position (GRCh38, 1-based): chr17:39,462,484, G>A. VCF-style: chr17-39462484-G-A. GRCh37 (hg19) VCF-style: chr17-37618737-G-A.
Other names: c.413G>A, p.Ser138Asn (NM_015083.4); short protein forms S138N.
Identifiers: ClinVar variation 5034141 (VCV005034141.1).

ClinVar aggregate classification (germline): Uncertain significance (1 of 4 stars; one submission).

Submission:

Ambry Genetics
Classification: Uncertain significance. Last evaluated: 2026-08-08. Review status: criteria provided, single submitter. Criteria: Ambry Variant Classification Scheme 2023. Collection method: clinical testing. Allele origin: germline.
Comment: The p.S138N variant (also known as c.413G>A), located in coding exon 1 of the CDK12 gene, results from a G to A substitution at nucleotide position 413. The serine at codon 138 is replaced by asparagine, an amino acid with highly similar properties. This amino acid position is conserved. In addition, this alteration is predicted to be tolerated by in silico analysis. Based on the available evidence, the clinical significance of this variant remains unclear.